The following is an entry in ClinVar:

NM_001378454.1(ALMS1):c.8616A>C (p.Ile2872=)

Gene: ALMS1 (ALMS1 centrosome and basal body associated protein; plus strand). Cytogenetic location: 2p13.1.
Variant type: single nucleotide variant.
Coding change: c.8616A>C on transcript NM_001378454.1 (MANE Select); coding-DNA position 8616, A replaced by C.
Protein change: p.Ile2872=; no amino-acid change (isoleucine 2872 retained).
Molecular consequence: synonymous variant.
Genome position (GRCh38, 1-based): chr2:73,490,575, A>C. VCF-style: chr2-73490575-A-C. GRCh37 (hg19) VCF-style: chr2-73717702-A-C.
Other names: c.8619A>C, p.Ile2873= (NM_015120.4).
Identifiers: ClinVar variation 4997790 (VCV004997790.1).

ClinVar aggregate classification (germline): Likely benign (1 of 4 stars; one submission).

Conditions:
ALMS1-related disorder. Also called: ALMS1-related condition.

Submission:

PreventionGenetics, part of Exact Sciences
Classification: Likely benign for ALMS1-related condition. Last evaluated: 2025-04-18. Review status: criteria provided, single submitter. Criteria: ACMG Guidelines, 2015. Collection method: clinical testing. Allele origin: germline.
Comment: This variant is classified as likely benign based on ACMG/AMP sequence variant interpretation guidelines (Richards et al. 2015 PMID: 25741868, with internal and published modifications).